The following is an entry in ClinVar:

NM_001792.5(CDH2):c.1233C>T (p.Pro411=)

Gene: CDH2 (cadherin 2; minus strand). Cytogenetic location: 18q12.1.
Variant type: single nucleotide variant.
Coding change: c.1233C>T on transcript NM_001792.5 (MANE Select); coding-DNA position 1233, C replaced by T.
Protein change: p.Pro411=; no amino-acid change (proline 411 retained).
Molecular consequence: synonymous variant.
Genome position (GRCh38, 1-based): chr18:27,992,766, G>A on the plus strand (C>T on the coding strand, the complement: CDH2 is on the minus strand). VCF-style: chr18-27992766-G-A. GRCh37 (hg19) VCF-style: chr18-25572730-G-A.
Other names: c.1233C>T (NM_001792.3); c.1140C>T, p.Pro380= (NM_001308176.2).
Identifiers: ClinVar variation 2190406 (VCV002190406.8), dbSNP rs1293931704, ClinGen allele CA503381994.

ClinVar aggregate classification (germline): Likely benign. Review status: criteria provided, multiple submitters, no conflicts (2 of 4 stars). 3 submissions from 3 submitters: Likely benign (3). Last evaluated 2026-03-12.

Conditions:
Inborn genetic diseases. Identifiers: MedGen C0950123, MeSH D030342.

Allele frequency attached by ClinVar (database versions not stated): gnomAD exomes 0.00001; TOPMed 0.00001; gnomAD 0.00002.
gnomAD v4.1: 7 of 1,613,844 alleles (0.00043%); highest among the groups gnomAD compares: Admixed American, 0.005%; no homozygotes.

Submissions (3):

Ambry Genetics
Classification: Likely benign for Inborn genetic diseases. Last evaluated: 2026-03-12. Review status: criteria provided, single submitter. Criteria: Ambry Variant Classification Scheme 2023. Collection method: clinical testing. Allele origin: germline.

CeGaT Center for Human Genetics Tuebingen
Classification: Likely benign. Last evaluated: 2026-02-01. Review status: criteria provided, single submitter. Criteria: CeGaT Center For Human Genetics Tuebingen Variant Classification Criteria Version 2. Collection method: clinical testing. Allele origin: germline. Affected: yes. Observed: 1 variant allele.
Comment: CDH2: BP4, BP7

Labcorp Genetics (formerly Invitae), Labcorp
Classification: Likely benign. Last evaluated: 2025-12-31. Review status: criteria provided, single submitter. Criteria: Invitae Variant Classification Sherloc (09022015). Collection method: clinical testing. Allele origin: germline.